The following is an entry in ClinVar:

NM_198525.3(KIF7):c.105G>T (p.Gln35His)

Gene: KIF7 (kinesin family member 7; minus strand). Cytogenetic location: 15q26.1.
Variant type: single nucleotide variant.
Coding change: c.105G>T on transcript NM_198525.3 (MANE Select); coding-DNA position 105, G replaced by T.
Protein change: p.Gln35His; replaces glutamine 35 with histidine.
Molecular consequence: missense variant.
Genome position (GRCh38, 1-based): chr15:89,652,826, C>A on the plus strand (G>T on the coding strand, the complement: KIF7 is on the minus strand). VCF-style: chr15-89652826-C-A. GRCh37 (hg19) VCF-style: chr15-90196057-C-A.
Other names: short protein forms Q35H.
Identifiers: ClinVar variation 2072581 (VCV002072581.5), dbSNP rs2505510618, ClinGen allele CA393780682.

ClinVar aggregate classification (germline): Uncertain significance. Review status: criteria provided, multiple submitters, no conflicts (2 of 4 stars). 2 submissions from 2 submitters: Uncertain significance (2). Last evaluated 2023-12-11.

Conditions:
Acrocallosal syndrome (ACLS). Also called: HALLUX DUPLICATION, POSTAXIAL POLYDACTYLY, AND ABSENCE OF CORPUS CALLOSUM; Schinzel syndrome 1; Absence of corpus callosum with unusual facial appearance, mental deficiency, duplication of the halluces and polydactyly. Identifiers: Orphanet 36, MedGen C0796147, MONDO:0008708, OMIM 200990.

Allele frequency attached by ClinVar (database versions not stated): gnomAD exomes below 0.00001.
gnomAD v4.1: 2 of 1,550,510 alleles (0.00013%); highest among the groups gnomAD compares: Middle Eastern, 0.034%; no homozygotes.

Submissions (2):

Labcorp Genetics (formerly Invitae), Labcorp
Classification: Uncertain significance for Acrocallosal syndrome. Last evaluated: 2023-12-11. Review status: criteria provided, single submitter. Criteria: Invitae Variant Classification Sherloc (09022015). Collection method: clinical testing. Allele origin: germline.
Comment: This sequence change replaces glutamine, which is neutral and polar, with histidine, which is basic and polar, at codon 35 of the KIF7 protein (p.Gln35His). This variant is not present in population databases (gnomAD no frequency). This variant has not been reported in the literature in individuals affected with KIF7-related conditions. ClinVar contains an entry for this variant (Variation ID: 2072581). Advanced modeling of protein sequence and biophysical properties (such as structural, functional, and spatial information, amino acid conservation, physicochemical variation, residue mobility, and thermodynamic stability) performed at Invitae indicates that this missense variant is not expected to disrupt KIF7 protein function with a negative predictive value of 80%. In summary, the available evidence is currently insufficient to determine the role of this variant in disease. Therefore, it has been classified as a Variant of Uncertain Significance.

Blueprint Genetics
Classification: Uncertain significance. Last evaluated: 2023-03-21. Review status: criteria provided, single submitter. Criteria: ACMG Guidelines, 2015. Collection method: clinical testing. Allele origin: germline.